The following is an entry in ClinVar:

ClinVar aggregate classification (germline): Uncertain significance (1 of 4 stars; one submission).

Conditions:
Fanconi anemia (FA). Also called: Fanconi's anemia. Identifiers: Orphanet 84, MedGen C0015625, MeSH D005199, MONDO:0019391.

Allele frequency attached by ClinVar (database versions not stated): gnomAD exomes 0.00001 and below 0.00001.

Submission:

Labcorp Genetics (formerly Invitae), Labcorp
Classification: Uncertain significance for Fanconi anemia. Last evaluated: 2025-04-14. Review status: criteria provided, single submitter. Criteria: Invitae Variant Classification Sherloc (09022015). Collection method: clinical testing. Allele origin: germline.
Comment: This sequence change replaces cysteine, which is neutral and slightly polar, with tyrosine, which is neutral and polar, at codon 196 of the FANCB protein (p.Cys196Tyr). This variant is present in population databases (no rsID available, gnomAD 0.001%). This variant has not been reported in the literature in individuals affected with FANCB-related conditions. ClinVar contains an entry for this variant (Variation ID: 526350). Invitae Evidence Modeling of protein sequence and biophysical properties (such as structural, functional, and spatial information, amino acid conservation, physicochemical variation, residue mobility, and thermodynamic stability) indicates that this missense variant is not expected to disrupt FANCB protein function with a negative predictive value of 80%. In summary, the available evidence is currently insufficient to determine the role of this variant in disease. Therefore, it has been classified as a Variant of Uncertain Significance.

NM_001018113.3(FANCB):c.587G>A (p.Cys196Tyr)

Gene: FANCB (FA complementation group B; minus strand). Cytogenetic location: Xp22.2.
Variant type: single nucleotide variant.
Coding change: c.587G>A on transcript NM_001018113.3 (MANE Select); coding-DNA position 587, G replaced by A.
Protein change: p.Cys196Tyr; replaces cysteine 196 with tyrosine.
Molecular consequence: missense variant.
Genome position (GRCh38, 1-based): chrX:14,864,924, C>T on the plus strand (G>A on the coding strand, the complement: FANCB is on the minus strand). VCF-style: chrX-14864924-C-T. GRCh37 (hg19) VCF-style: chrX-14883046-C-T.
Other names: c.587G>A, p.Cys196Tyr (NM_001324162.2, NM_152633.4); short protein forms C196Y.
Identifiers: ClinVar variation 526350 (VCV000526350.7), dbSNP rs1366041068, ClinGen allele CA412444167.